The following is an entry in ClinVar:

ClinVar aggregate classification (germline): Uncertain significance. Review status: criteria provided, multiple submitters, no conflicts (2 of 4 stars). 2 submissions from 2 submitters: Uncertain significance (2). Last evaluated 2023-06-26.

Submissions (2):

GeneDx
Classification: Uncertain significance. Last evaluated: 2023-06-26. Review status: criteria provided, single submitter. Criteria: GeneDx Variant Classification Process June 2021. Collection method: clinical testing. Allele origin: germline. Affected: yes.
Comment: Not observed at significant frequency in large population cohorts (gnomAD); In silico analysis supports that this missense variant has a deleterious effect on protein structure/function; Has not been previously published as pathogenic or benign to our knowledge

Labcorp Genetics (formerly Invitae), Labcorp
Classification: Uncertain significance. Last evaluated: 2021-11-22. Review status: criteria provided, single submitter. Criteria: Invitae Variant Classification Sherloc (09022015). Collection method: clinical testing. Allele origin: germline.
Comment: This variant has not been reported in the literature in individuals affected with RHO-related conditions. This variant is not present in population databases (gnomAD no frequency). This sequence change replaces phenylalanine, which is neutral and non-polar, with valine, which is neutral and non-polar, at codon 9 of the RHO protein (p.Phe9Val). In summary, the available evidence is currently insufficient to determine the role of this variant in disease. Therefore, it has been classified as a Variant of Uncertain Significance. Advanced modeling of protein sequence and biophysical properties (such as structural, functional, and spatial information, amino acid conservation, physicochemical variation, residue mobility, and thermodynamic stability) performed at Invitae indicates that this missense variant is not expected to disrupt RHO protein function.

NM_000539.3(RHO):c.25T>G (p.Phe9Val)

Gene: RHO (rhodopsin; plus strand). Cytogenetic location: 3q22.1.
Variant type: single nucleotide variant.
Coding change: c.25T>G on transcript NM_000539.3 (MANE Select); coding-DNA position 25, T replaced by G.
Protein change: p.Phe9Val; replaces phenylalanine 9 with valine.
Molecular consequence: missense variant.
Genome position (GRCh38, 1-based): chr3:129,528,758, T>G. VCF-style: chr3-129528758-T-G. GRCh37 (hg19) VCF-style: chr3-129247601-T-G.
Other names: short protein forms F9V.
Identifiers: ClinVar variation 1384913 (VCV001384913.7), dbSNP rs2108749130, ClinGen allele CA354495193.